The following is an entry in ClinVar:

ClinVar aggregate classification (germline): Uncertain significance. Review status: criteria provided, multiple submitters, no conflicts (2 of 4 stars). 2 submissions from 2 submitters: Uncertain significance (2). Last evaluated 2024-10-10.

Conditions:
Sudden unexplained death. Identifiers: MedGen C0520806.
Catecholaminergic polymorphic ventricular tachycardia 1. Also called: VENTRICULAR TACHYCARDIA, CATECHOLAMINERGIC POLYMORPHIC, 1, WITH OR WITHOUT ATRIAL DYSFUNCTION AND/OR DILATED CARDIOMYOPATHY; RYR2-Related Catecholaminergic Polymorphic Ventricular Tachycardia; VENTRICULAR TACHYCARDIA, STRESS-INDUCED POLYMORPHIC 1. Identifiers: Orphanet 3286, MedGen C1631597, MONDO:0011484, OMIM 604772.

Submissions (2):

Victorian Clinical Genetics Services, Murdoch Childrens Research Institute
Classification: Uncertain significance for Catecholaminergic polymorphic ventricular tachycardia 1. Last evaluated: 2024-10-10. Review status: criteria provided, single submitter. Criteria: ACMG Guidelines, 2015. Collection method: clinical testing. Allele origin: germline. Inheritance: Autosomal dominant inheritance. Affected: yes.
Comment: Based on the classification scheme VCGS_Germline_v1.3.5, this variant is classified as VUS-3A. Following criteria are met: 0103 - Dominant negative and gain of function are known mechanisms of disease in this gene and are associated with catecholaminergic polymorphic ventricular tachycardia 1 (MIM#604772) and left ventricular non-compaction (PMIDs: 12459180, 27646203, 29477366, 31875585, 33500567). Loss of function has been reported for ventricular arrhythmias due to cardiac ryanodine receptor calcium release deficiency syndrome (MIM#115000), however dominant negative mechanism has not been excluded (PMID: 33536282). (I) 0107 - This gene is associated with autosomal dominant disease. (I) 0112 - The condition associated with this gene has incomplete penetrance. Penetrance for CPVT is estimated to be 60-70% (PMID: 23549275). (I) 0200 - Variant is predicted to result in a missense amino acid change from glutamic acid to lysine. Additionally, this variant is located at the first nucleotide of exon 81. (I) 0251 - This variant is heterozygous. (I) 0301 - Variant is absent from gnomAD (v2, v3 and v4). (SP) 0502 - Missense variant with conflicting in silico predictions and uninformative conservation. Additionally, splicing in silico tools do not predict mis-splicing; however, the nucleotide is very highly conserved. (I) 0604 - Variant is not located in an established domain, motif, hotspot or informative constraint region. (I) 0703 - Another missense variant comparable to the one identified in this case has moderate previous evidence for pathogenicity. p.(Glu3716Gly) has been previously reported in two individuals with CPVT and one individual with cardiomyopathy (PMIDs: 28237968, 29453246, 37477868). (SP) 0807 - This variant has no previous evidence of pathogenicity. (I) 0905 - No published segregation evidence has been identified for this variant. (I) 1007 - No published functional evidence has been identified for this variant. (I) 1208 - Inheritance information for this variant is not currently available in this individual. (I) Legend: (SP) - Supporting pathogenic, (I) - Information, (SB) - Supporting benign

Agnes Ginges Centre for Molecular Cardiology, Centenary Institute
Classification: Uncertain significance for Sudden unexplained death. Last evaluated: 2017-08-01. Review status: criteria provided, single submitter. Criteria: ACMG Guidelines, 2015. Collection method: research. Allele origin: germline. Affected: yes.
Comment: This variant has been identified as part of our research program. Refer to the 'condition' field for the phenotype of the proband(s) identified with this variant. For further information please feel free to contact us.

Literature cited by the submitters: PubMed 12459180 (cited by Victorian Clinical Genetics Services, Murdoch Childrens Research Institute); PubMed 23549275 (cited by Victorian Clinical Genetics Services, Murdoch Childrens Research Institute); PubMed 27646203 (cited by Victorian Clinical Genetics Services, Murdoch Childrens Research Institute); PubMed 28237968 (cited by Victorian Clinical Genetics Services, Murdoch Childrens Research Institute); PubMed 29453246 (cited by Victorian Clinical Genetics Services, Murdoch Childrens Research Institute); PubMed 29477366 (cited by Victorian Clinical Genetics Services, Murdoch Childrens Research Institute); PubMed 31875585 (cited by Victorian Clinical Genetics Services, Murdoch Childrens Research Institute); PubMed 33500567 (cited by Victorian Clinical Genetics Services, Murdoch Childrens Research Institute); PubMed 33536282 (cited by Victorian Clinical Genetics Services, Murdoch Childrens Research Institute); PubMed 37477868 (cited by Victorian Clinical Genetics Services, Murdoch Childrens Research Institute).

NM_001035.3(RYR2):c.11146G>A (p.Glu3716Lys)

Gene: RYR2 (ryanodine receptor 2; plus strand). Cytogenetic location: 1q43.
Variant type: single nucleotide variant.
Coding change: c.11146G>A on transcript NM_001035.3 (MANE Select); coding-DNA position 11146, G replaced by A.
Protein change: p.Glu3716Lys; replaces glutamic acid 3716 with lysine.
Molecular consequence: missense variant.
Genome position (GRCh38, 1-based): chr1:237,756,288, G>A. VCF-style: chr1-237756288-G-A. GRCh37 (hg19) VCF-style: chr1-237919588-G-A.
Other names: short protein forms E3716K.
Identifiers: ClinVar variation 692129 (VCV000692129.3), dbSNP rs1573821155, ClinGen allele CA345425742.